The following is an entry in ClinVar:

NM_001844.5(COL2A1):c.2746_2753dup (p.Pro920fs)

Gene: COL2A1 (collagen type II alpha 1 chain; minus strand). Cytogenetic location: 12q13.11.
Variant type: Duplication.
Coding change: c.2746_2753dup on transcript NM_001844.5 (MANE Select); coding-DNA positions 2746 to 2753, 8 bases duplicated (CCCCCTGG; older notation c.2746_2753dupCCCCCTGG).
Protein change: p.Pro920fs; shifts the reading frame from proline 920.
Molecular consequence: frameshift variant.
Genome position (GRCh38, 1-based): chr12:47,978,739-47,978,746, CCAGGGGG duplicated on the plus strand (CCCCCTGG on the coding strand, the reverse complement: COL2A1 is on the minus strand). VCF-style (leftmost placement, unchanged base first): chr12-47978738-A-ACCAGGGGG. GRCh37 (hg19) VCF-style: chr12-48372521-A-ACCAGGGGG.
Other names: c.2539_2546dup, p.Pro851fs (NM_033150.3); short protein forms P920fs, P851fs.
Identifiers: ClinVar variation 2030838 (VCV002030838.4), dbSNP rs2540113782, ClinGen allele CA2580085539.

ClinVar aggregate classification (germline): Pathogenic (1 of 4 stars; one submission).

Submission:

Labcorp Genetics (formerly Invitae), Labcorp
Classification: Pathogenic. Last evaluated: 2022-09-16. Review status: criteria provided, single submitter. Criteria: Invitae Variant Classification Sherloc (09022015). Collection method: clinical testing. Allele origin: germline.
Comment: This sequence change creates a premature translational stop signal (p.Pro920Leufs*111) in the COL2A1 gene. It is expected to result in an absent or disrupted protein product. Loss-of-function variants in COL2A1 are known to be pathogenic (PMID: 20179744). This variant is not present in population databases (gnomAD no frequency). For these reasons, this variant has been classified as Pathogenic. This variant has not been reported in the literature in individuals affected with COL2A1-related conditions.

Literature cited by the submitters: PubMed 20179744.